The following is an entry in ClinVar:

ClinVar aggregate classification (germline): Likely pathogenic (1 of 4 stars; one submission).

Conditions:
Bethlem myopathy 1A. Also called: Bethlem myopathy 1; Bethlem Muscular Dystrophy; MYOPATHY, BENIGN CONGENITAL, WITH CONTRACTURES. Identifiers: Orphanet 610, MedGen CN029274, MONDO:0024530, OMIM 158810.

gnomAD v4.1: 2 of 1,610,172 alleles (0.00012%); highest among the groups gnomAD compares: Non-Finnish European, 0.00017%; no homozygotes.

Submission:

Labcorp Genetics (formerly Invitae), Labcorp
Classification: Likely pathogenic for Bethlem myopathy 1A. Last evaluated: 2021-05-07. Review status: criteria provided, single submitter. Criteria: Invitae Variant Classification Sherloc (09022015). Collection method: clinical testing. Allele origin: germline.
Comment: In summary, the currently available evidence indicates that the variant is pathogenic, but additional data are needed to prove that conclusively. Therefore, this variant has been classified as Likely Pathogenic. This variant disrupts the triple helix domain of COL6A2. Glycine residues within the Gly-Xaa-Yaa repeats of the triple helix domain are required for the structure and stability of fibrillar collagens (PMID: 7695699, 8218237, 19344236). In COL6A2, missense variants at these glycine residues are significantly enriched in individuals with autosomal dominant disease (PMID: 15689448, 24038877) compared to the general population (ExAC). Algorithms developed to predict the effect of missense changes on protein structure and function (SIFT, PolyPhen-2, Align-GVGD) all suggest that this variant is likely to be disruptive, but these predictions have not been confirmed by published functional studies and their clinical significance is uncertain. This variant has not been reported in the literature in individuals with COL6A2-related conditions. This variant is not present in population databases (ExAC no frequency). This sequence change replaces glycine with arginine at codon 286 of the COL6A2 protein (p.Gly286Arg). The glycine residue is highly conserved and there is a moderate physicochemical difference between glycine and arginine.

Literature cited by the submitters: PubMed 7695699; PubMed 8218237; PubMed 19344236; PubMed 15689448; PubMed 24038877.

NM_001849.4(COL6A2):c.856G>A (p.Gly286Arg)

Gene: COL6A2 (collagen type VI alpha 2 chain; plus strand). Cytogenetic location: 21q22.3.
Variant type: single nucleotide variant.
Coding change: c.856G>A on transcript NM_001849.4 (MANE Select); coding-DNA position 856, G replaced by A.
Protein change: p.Gly286Arg; replaces glycine 286 with arginine.
Molecular consequence: missense variant.
Genome position (GRCh38, 1-based): chr21:46,116,009, G>A. VCF-style: chr21-46116009-G-A. GRCh37 (hg19) VCF-style: chr21-47535923-G-A.
Other names: c.856G>A, p.Gly286Arg (NM_058174.3, NM_058175.3); short protein forms G286R.
Identifiers: ClinVar variation 1471532 (VCV001471532.8), dbSNP rs2123626018, ClinGen allele CA410525056.